The following is an entry in ClinVar:

ClinVar aggregate classification (germline): Pathogenic (1 of 4 stars; one submission).

Conditions:
Neuronal ceroid lipofuscinosis 8 (CLN8). Also called: CLN8-Related Neuronal Ceroid-Lipofuscinosis. Identifiers: Orphanet 168491, Orphanet 228354, Orphanet 79264, MedGen C1838570, MONDO:0010830, OMIM 600143.

Submission:

Human Genome Lab, NIMHANS, National Institute of Mental Health and Neuro Sciences
Classification: Pathogenic for Neuronal ceroid lipofuscinosis 8. Review status: criteria provided, single submitter. Criteria: ACMG Guidelines, 2015. Collection method: clinical testing. Allele origin: germline. Inheritance: Autosomal recessive inheritance. Affected: yes. Observed: 1 homozygote.
Comment: The frameshift duplication NM_018941.4:c.424dup has not been reported previously as a pathogenic variant nor as a benign variant, to our knowledge. The NP_061764.2:p.Ala142Glyfs*105 variant is novel (not in any individuals) in 1000 Genomes, in gnomAD as well as in our inhouse database. This variant is predicted to cause loss of normal protein function through protein truncation caused by the frameshift mutation or such an mRNA is predicted to undergo nonsense mediated decay. The frame shifted sequence continues 105 residues until a stop codon is reached. This variant is a frameshift variant which occurs in an exon of CLN8 upstream of where nonsense mediated decay is predicted to occur. There are 18 downstream pathogenic loss of function variants, with the furthest variant being 121 residues downstream of this variant. This indicates that the region is critical to protein function. The p.Ala142Glyfs*105variant is a loss of function variant in the gene CLN8, which is intolerant of Loss of Function variants, as indicated by the presence of existing pathogenic loss of function variant NP_061764.2:p.S10* and 15 others. In addition, the patient's clinical phenotype matches with that of the disorder caused by pathogenic variants in CLN8 gene. For these reasons, this variant has been classified as Pathogenic (PM2 PVS1 PP4_Strong).

NM_018941.4(CLN8):c.424dup (p.Ala142fs)

Gene: CLN8 (CLN8 transmembrane ER and ERGIC protein; plus strand). Cytogenetic location: 8p23.3.
Variant type: Duplication.
Coding change: c.424dup on transcript NM_018941.4 (MANE Select); coding-DNA position 424, one base duplicated (G; older notation c.424dupG).
Protein change: p.Ala142fs; shifts the reading frame from alanine 142.
Molecular consequence: frameshift variant.
Genome position (GRCh38, 1-based): chr8:1,771,478, G duplicated. VCF-style (leftmost placement, unchanged base first): chr8-1771477-T-TG. GRCh37 (hg19) VCF-style: chr8-1719643-T-TG.
Other names: short protein forms A142fs.
Identifiers: ClinVar variation 2627618 (VCV002627618.2), dbSNP rs2486442031, ClinGen allele CA2582341956.